The following is an entry in ClinVar:

NM_000088.4(COL1A1):c.3238C>T (p.Pro1080Ser)

Gene: COL1A1 (collagen type I alpha 1 chain; minus strand). Cytogenetic location: 17q21.33.
Variant type: single nucleotide variant.
Coding change: c.3238C>T on transcript NM_000088.4 (MANE Select); coding-DNA position 3238, C replaced by T.
Protein change: p.Pro1080Ser; replaces proline 1080 with serine.
Molecular consequence: missense variant.
Genome position (GRCh38, 1-based): chr17:50,188,119, G>A on the plus strand (C>T on the coding strand, the complement: COL1A1 is on the minus strand). VCF-style: chr17-50188119-G-A. GRCh37 (hg19) VCF-style: chr17-48265480-G-A.
Other names: short protein forms P1080S.
Identifiers: ClinVar variation 1729259 (VCV001729259.5), dbSNP rs2509174294, ClinGen allele CA400200116.

ClinVar aggregate classification (germline): Uncertain significance. Review status: criteria provided, multiple submitters, no conflicts (2 of 4 stars). 2 submissions from 2 submitters: Uncertain significance (2). Last evaluated 2023-05-25.

Conditions:
Osteogenesis imperfecta type I (OI1). Also called: Classic Non-deforming Osteogenesis Imperfecta with Blue Sclerae; OI, TYPE I; OSTEOGENESIS IMPERFECTA TARDA; OSTEOGENESIS IMPERFECTA WITH BLUE SCLERAE; Osteogenesis imperfecta type 1; Lobstein's Disease. Identifiers: Orphanet 216796, Orphanet 666, MedGen C0023931, MONDO:0008146, OMIM 166200. Disease mechanism: loss of function.
Cardiovascular phenotype. Identifiers: MedGen CN230736.

Allele frequency attached by ClinVar (database versions not stated): gnomAD exomes below 0.00001.
gnomAD v4.1: 1 of 1,581,574 alleles (0.000063%); highest among the groups gnomAD compares: Non-Finnish European, 0.000086%; no homozygotes.

Submissions (2):

Labcorp Genetics (formerly Invitae), Labcorp
Classification: Uncertain significance for Osteogenesis imperfecta type I. Last evaluated: 2023-05-25. Review status: criteria provided, single submitter. Criteria: Invitae Variant Classification Sherloc (09022015). Collection method: clinical testing. Allele origin: germline.
Comment: In summary, the available evidence is currently insufficient to determine the role of this variant in disease. Therefore, it has been classified as a Variant of Uncertain Significance. Advanced modeling of protein sequence and biophysical properties (such as structural, functional, and spatial information, amino acid conservation, physicochemical variation, residue mobility, and thermodynamic stability) has been performed at Invitae for this missense variant, however the output from this modeling did not meet the statistical confidence thresholds required to predict the impact of this variant on COL1A1 protein function. ClinVar contains an entry for this variant (Variation ID: 1729259). This variant has not been reported in the literature in individuals affected with COL1A1-related conditions. This variant is not present in population databases (gnomAD no frequency). This sequence change replaces proline, which is neutral and non-polar, with serine, which is neutral and polar, at codon 1080 of the COL1A1 protein (p.Pro1080Ser).

Ambry Genetics
Classification: Uncertain significance for Cardiovascular phenotype. Last evaluated: 2020-07-20. Review status: criteria provided, single submitter. Criteria: Ambry Variant Classification Scheme 2023. Collection method: clinical testing. Allele origin: germline.
Comment: The p.P1080S variant (also known as c.3238C>T), located in coding exon 44 of the COL1A1 gene, results from a C to T substitution at nucleotide position 3238. The proline at codon 1080 is replaced by serine, an amino acid with similar properties. This amino acid position is well conserved in available vertebrate species. In addition, the in silico prediction for this alteration is inconclusive. Since supporting evidence is limited at this time, the clinical significance of this alteration remains unclear.